The following is an entry in ClinVar:

ClinVar aggregate classification (germline): Uncertain significance (1 of 4 stars; one submission).

Submission:

Labcorp Genetics (formerly Invitae), Labcorp
Classification: Uncertain significance. Last evaluated: 2022-05-19. Review status: criteria provided, single submitter. Criteria: Invitae Variant Classification Sherloc (09022015). Collection method: clinical testing. Allele origin: germline.
Comment: This sequence change replaces arginine, which is basic and polar, with glycine, which is neutral and non-polar, at codon 1625 of the RAI1 protein (p.Arg1625Gly). This variant is not present in population databases (gnomAD no frequency). This variant has not been reported in the literature in individuals affected with RAI1-related conditions. Algorithms developed to predict the effect of missense changes on protein structure and function (SIFT, PolyPhen-2, Align-GVGD) all suggest that this variant is likely to be tolerated. In summary, the available evidence is currently insufficient to determine the role of this variant in disease. Therefore, it has been classified as a Variant of Uncertain Significance.

NM_030665.4(RAI1):c.4873A>G (p.Arg1625Gly)

Gene: RAI1 (retinoic acid induced 1; plus strand). Cytogenetic location: 17p11.2.
Variant type: single nucleotide variant.
Coding change: c.4873A>G on transcript NM_030665.4 (MANE Select); coding-DNA position 4873, A replaced by G.
Protein change: p.Arg1625Gly; replaces arginine 1625 with glycine.
Molecular consequence: missense variant.
Genome position (GRCh38, 1-based): chr17:17,797,821, A>G. VCF-style: chr17-17797821-A-G. GRCh37 (hg19) VCF-style: chr17-17701135-A-G.
Other names: short protein forms R1625G.
Identifiers: ClinVar variation 1996312 (VCV001996312.4), dbSNP rs2543622902, ClinGen allele CA398557834.